The following is an entry in ClinVar:

NM_001277115.2(DNAH11):c.12933+1G>A

Gene: DNAH11 (dynein axonemal heavy chain 11; plus strand). Cytogenetic location: 7p15.3.
Variant type: single nucleotide variant.
Coding change: c.12933+1G>A on transcript NM_001277115.2 (MANE Select); the canonical splice donor site of the intron after coding-DNA position 12933, G replaced by A.
Molecular consequence: splice donor variant.
Genome position (GRCh38, 1-based): chr7:21,894,806, G>A. VCF-style: chr7-21894806-G-A. GRCh37 (hg19) VCF-style: chr7-21934424-G-A.
Identifiers: ClinVar variation 1328178 (VCV001328178.8), dbSNP rs371022970, ClinGen allele CA155106017.
Genomic context (GRCh38, chr7:21,894,806, plus strand): 5'-ATGAATATTCTCATTCGGGAAATACGTATATCACTTGAACAACTGGACCTTAGTTTGAAG[G>A]TAAGCTTAAAGTGAGGCTATAGTAGACTTCAGCACATTGGAAGATATTCACTGTGTGGCT-3'

ClinVar aggregate classification (germline): Conflicting classifications of pathogenicity. Review status: criteria provided, conflicting classifications (1 of 4 stars). 5 submissions from 5 submitters: Likely pathogenic (3); Uncertain significance (2). Last evaluated 2025-07-23.

Conditions:
Primary ciliary dyskinesia 7. Also called: CILIARY DYSKINESIA, PRIMARY, 7, WITH OR WITHOUT SITUS INVERSUS. Identifiers: Orphanet 244, MedGen C2678473, MONDO:0012748, OMIM 611884.
DNAH11-related disorders.

Allele frequency attached by ClinVar (database versions not stated): TOPMed 0.00001; gnomAD exomes 0.00004; ESP Exome Variant Server 0.00008.
gnomAD v4.1: 30 of 1,608,604 alleles (0.0019%); highest among the groups gnomAD compares: Non-Finnish European, 0.0025%; no homozygotes.

Submissions (5):

Victorian Clinical Genetics Services, Murdoch Childrens Research Institute
Classification: Uncertain significance for Primary ciliary dyskinesia 7. Last evaluated: 2025-07-23. Review status: criteria provided, single submitter. Criteria: ACMG Guidelines, 2015. Collection method: clinical testing. Allele origin: germline. Affected: yes.
Comment: This variant is classified as VUS-3A. Evidence in support of pathogenic classification: Canonical splice site variant without proven consequence on splicing (no functional evidence available); Variant is present in gnomAD <0.01 for a recessive condition (v4: 30 heterozygote(s), 0 homozygote(s)); This variant has limited previous evidence of pathogenicity in an unrelated individual(s). This variant has been classified as likely pathogenic by one clinical laboratory in ClinVar; Abnormal splicing is predicted by in silico tool and affected nucleotide is highly conserved. Additional information: This variant is heterozygous; This gene is associated with autosomal recessive disease; No published evidence of segregation with disease has been identified for this variant; No published functional evidence has been identified for this variant; No comparable canonical splice variants have previous evidence for pathogenicity; Loss of function is a known mechanism of disease in this gene and is associated with primary ciliary dyskinesia 7, with or without situs inversus (MIM#611884); Inheritance information for this variant is not currently available in this individual.

GeneDx
Classification: Likely pathogenic. Last evaluated: 2025-07-19. Review status: criteria provided, single submitter. Criteria: GeneDx Variant Classification Process June 2021. Collection method: clinical testing. Allele origin: germline. Affected: yes.
Comment: Canonical splice site variant predicted to result in an in-frame loss of the adjacent exon in a gene for which loss of function is a known mechanism of disease; Not observed at significant frequency in large population cohorts (gnomAD); Has not been previously published as pathogenic or benign to our knowledge

Broad Center for Mendelian Genomics, Broad Institute of MIT and Harvard
Classification: Uncertain significance for Primary ciliary dyskinesia 7. Last evaluated: 2025-02-20. Review status: criteria provided, single submitter. Criteria: ACMG Guidelines, 2015. Collection method: curation. Allele origin: germline. Inheritance: Autosomal recessive inheritance.
Comment: The c.12933+1G>A variant in DNAH11 has not been previously reported in the literature in individuals with primary ciliary dyskinesia, but has been identified in 0.003% (30/1176736) of European (non-Finnish) chromosomes by the Genome Aggregation Database (gnomAD; dbSNP ID: rs371022970). Although this variant has been seen in the general population in a heterozygous state, its frequency is low enough to be consistent with a recessive carrier frequency. This variant has been reported in ClinVar (Variation ID: 1328178) and has been interpreted as likely pathogenic by Illumina Laboratory Services. This variant is located in the 3' splice region. Computational tools predict a splicing impact, though this information is not predictive enough to determine pathogenicity. This variant is adjacent to an in-frame exon and is more likely to escape nonsense mediated decay (NMD) and result in a truncated protein. Loss of function of the DNAH11 gene is an established disease mechanism in autosomal recessive primary ciliary dyskinesia. In summary, the clinical significance of the c.12933+1G>A variant is uncertain. ACMG/AMP Criteria applied: PVS1_moderate, PM2_supporting (Richards 2015).

Illumina Laboratory Services, Illumina
Classification: Likely pathogenic for Primary ciliary dyskinesia 7. Last evaluated: 2021-10-25. Review status: criteria provided, single submitter. Criteria: ICSLVariantClassificationCriteria RUGD 01 April 2020. Collection method: clinical testing. Allele origin: unknown.
Comment: The DNAH11 c.12933+1G>A variant occurs in a canonical splice site (donor) and is therefore predicted to disrupt the normal gene product. A literature search was performed for the gene and cDNA change. No publications were found based on this search. This variant is not found version 2.1.1 or version 3.1.2 of the Genome Aggregation Database despite its location in a region of good sequencing coverage, which suggests the variant is rare. This variant has been identified in trans with a pathogenic frameshift variant. Based on the available evidence, the c.12933+1G>A variant is classified as likely pathogenic for primary ciliary dyskinesia.

Blueprint Genetics
Classification: Likely pathogenic for DNAH11-related disorders. Last evaluated: 2020-01-27. Review status: criteria provided, single submitter. Criteria: ACMG Guidelines, 2015. Collection method: clinical testing. Allele origin: germline. Affected: yes. Observed: 1 variant allele.